The following is an entry in ClinVar:

ClinVar aggregate classification (germline): Benign (1 of 4 stars; one submission).

Conditions:
Spinocerebellar ataxia type 11 (SCA11). Identifiers: Orphanet 98767, MedGen C1858351, MONDO:0011464, OMIM 604432.

Allele frequency attached by ClinVar (database versions not stated): gnomAD 0.00896 and 0.00943; TOPMed 0.00932; 1000 Genomes Project 0.01418; 1000 Genomes Project 30x 0.01593.

Submission:

Illumina Laboratory Services, Illumina
Classification: Benign for Spinocerebellar ataxia type 11. Last evaluated: 2018-01-13. Review status: criteria provided, single submitter. Criteria: ICSL Variant Classification Criteria 13 December 2019. Collection method: clinical testing. Allele origin: germline.
Comment: This variant was observed in the ICSL laboratory as part of a predisposition screen in an ostensibly healthy population. It had not been previously curated by ICSL or reported in the Human Gene Mutation Database (HGMD: prior to June 1st, 2018), and was therefore a candidate for classification through an automated scoring system. Utilizing variant allele frequency, disease prevalence and penetrance estimates, and inheritance mode, an automated score was calculated to assess if this variant is too frequent to cause the disease. Based on the score and internal cut-off values, a variant classified as benign is not then subjected to further curation. The score for this variant resulted in a classification of benign for this disease.

NM_173500.4(TTBK2):c.*1162T>A

Gene: TTBK2 (tau tubulin kinase 2; minus strand). Cytogenetic location: 15q15.2.
Variant type: single nucleotide variant.
Coding change: c.*1162T>A on transcript NM_173500.4 (MANE Select); 1162 bases downstream of the stop codon, T replaced by A.
Molecular consequence: 3 prime UTR variant.
Genome position (GRCh38, 1-based): chr15:42,744,633, A>T on the plus strand (T>A on the coding strand, the complement: TTBK2 is on the minus strand). VCF-style: chr15-42744633-A-T. GRCh37 (hg19) VCF-style: chr15-43036831-A-T.
Identifiers: ClinVar variation 887209 (VCV000887209.4), dbSNP rs79592696, ClinGen allele CA269920860.